The following is an entry in ClinVar:

ClinVar aggregate classification (germline): Uncertain significance (1 of 4 stars; one submission).

Conditions:
Familial thoracic aortic aneurysm and aortic dissection (TAAD). Also called: Thoracic aortic aneurysms and dissections. Identifiers: Orphanet 91387, MedGen C4707243, MONDO:0019625.

Submission:

Color Diagnostics, LLC DBA Color Health
Classification: Uncertain significance for Familial thoracic aortic aneurysm and aortic dissection. Last evaluated: 2018-10-25. Review status: criteria provided, single submitter. Criteria: ACMG Guidelines, 2015. Collection method: clinical testing. Allele origin: germline.
Comment: Variant of Uncertain Significance due to insufficient evidence: This variant is located in the linker region between MH1 DNA binding domain and MH2 protein-protein interaction domain of the SMAD3 protein. Computational prediction tools and conservation analyses suggest that this variant may not impact the protein function. Computational splicing tools suggest that this variant may not impact RNA splicing. To our knowledge, functional assays have not been performed for this variant nor has this variant been reported in individuals affected with cardiovascular disorders in the literature. This variant is rare in the general population and has been identified in 0/277264 chromosomes by the Genome Aggregation Database (gnomAD). Available evidence is insufficient to determine the pathogenicity of this variant conclusively.

NM_005902.4(SMAD3):c.661C>G (p.Leu221Val)

Gene: SMAD3 (SMAD family member 3; plus strand). Cytogenetic location: 15q22.33.
Variant type: single nucleotide variant.
Coding change: c.661C>G on transcript NM_005902.4 (MANE Select); coding-DNA position 661, C replaced by G.
Protein change: p.Leu221Val; replaces leucine 221 with valine.
Molecular consequence: missense variant.
Genome position (GRCh38, 1-based): chr15:67,181,243, C>G. VCF-style: chr15-67181243-C-G. GRCh37 (hg19) VCF-style: chr15-67473581-C-G.
Other names: c.346C>G, p.Leu116Val (NM_001145102.2); c.529C>G, p.Leu177Val (NM_001145103.2); c.76C>G, p.Leu26Val (NM_001145104.2); short protein forms L221V, L116V, L177V, L26V.
Identifiers: ClinVar variation 629806 (VCV000629806.2), dbSNP rs1566999319, ClinGen allele CA392955827.